The following is an entry in ClinVar:

ClinVar aggregate classification (germline): Likely pathogenic (1 of 4 stars; one submission).

Submission:

Labcorp Genetics (formerly Invitae), Labcorp
Classification: Likely pathogenic. Last evaluated: 2022-12-23. Review status: criteria provided, single submitter. Criteria: Invitae Variant Classification Sherloc (09022015). Collection method: clinical testing. Allele origin: germline.
Comment: This variant is not present in population databases (gnomAD no frequency). In summary, the currently available evidence indicates that the variant is pathogenic, but additional data are needed to prove that conclusively. Therefore, this variant has been classified as Likely Pathogenic. Algorithms developed to predict the effect of sequence changes on RNA splicing suggest that this variant may disrupt the consensus splice site. This variant has not been reported in the literature in individuals affected with ABCC2-related conditions. This sequence change affects an acceptor splice site in intron 3 of the ABCC2 gene. It is expected to disrupt RNA splicing. Variants that disrupt the donor or acceptor splice site typically lead to a loss of protein function (PMID: 16199547), and loss-of-function variants in ABCC2 are known to be pathogenic (PMID: 9185779, 16549534, 16952291).

Literature cited by the submitters: PubMed 16199547; PubMed 9185779; PubMed 16549534; PubMed 16952291.

NM_000392.5(ABCC2):c.334-2A>G

Gene: ABCC2 (ATP binding cassette subfamily C member 2; plus strand). Cytogenetic location: 10q24.2.
Variant type: single nucleotide variant.
Coding change: c.334-2A>G on transcript NM_000392.5 (MANE Select); the canonical splice acceptor site of the intron before coding-DNA position 334, A replaced by G.
Molecular consequence: splice acceptor variant.
Genome position (GRCh38, 1-based): chr10:99,793,549, A>G. VCF-style: chr10-99793549-A-G. GRCh37 (hg19) VCF-style: chr10-101553306-A-G.
Identifiers: ClinVar variation 2823471 (VCV002823471.3), dbSNP rs2492841473, ClinGen allele CA378102494.